The following is an entry in ClinVar:

ClinVar aggregate classification (germline): Uncertain significance. Review status: criteria provided, multiple submitters, no conflicts (2 of 4 stars). 7 submissions from 6 submitters: Uncertain significance (7). Last evaluated 2026-05-14.

Conditions:
Meckel syndrome, type 1 (MKS1). Also called: MECKEL-GRUBER SYNDROME, TYPE 1. Identifiers: Orphanet 564, MedGen C3714506, MONDO:0009571, OMIM 249000.
Bardet-Biedl syndrome 13 (BBS13). Identifiers: Orphanet 110, MedGen C2673873, MONDO:0014441, OMIM 615990.
Joubert syndrome 28 (JBTS28). Identifiers: MedGen C4310705, MONDO:0014928, OMIM 617121.
Inborn genetic diseases. Identifiers: MedGen C0950123, MeSH D030342.
Meckel-Gruber syndrome. Also called: DYSENCEPHALIA SPLANCHNOCYSTICA; GRUBER SYNDROME; Dysencephalia splachnocystica. Identifiers: Orphanet 564, MedGen C0265215, MONDO:0018921.
Joubert syndrome. Also called: Familial aplasia of the vermis; JOUBERT-BOLTSHAUSER SYNDROME. Identifiers: Orphanet 475, MedGen C5979921, MONDO:0018772.
MKS1-related disorder. Also called: MKS1-related disorders; MKS1-related condition. Identifiers: MedGen CN239382.

Allele frequency attached by ClinVar (database versions not stated): TOPMed 0.00005; 1000 Genomes Project 30x 0.00016.
gnomAD v4.1: 60 of 1,614,148 alleles (0.0037%); highest among the groups gnomAD compares: Middle Eastern, 0.016%; no homozygotes.

Submissions (7):

PreventionGenetics, part of Exact Sciences
Classification: Uncertain significance for MKS1-related condition. Last evaluated: 2026-05-14. Review status: criteria provided, single submitter. Criteria: ACMG Guidelines, 2015. Collection method: clinical testing. Allele origin: germline.
Comment: The MKS1 c.813C>A variant is predicted to result in the amino acid substitution p.His271Gln. To our knowledge, this variant has not been reported in the literature. This variant is reported in 0.0035% of alleles in individuals of European (non-Finnish) descent in gnomAD. At this time, the clinical significance of this variant is uncertain due to the absence of conclusive functional and genetic evidence.

Ambry Genetics
Classification: Uncertain significance for Inborn genetic diseases. Last evaluated: 2025-06-24. Review status: criteria provided, single submitter. Criteria: Ambry Variant Classification Scheme 2023. Collection method: clinical testing. Allele origin: germline.

Fulgent Genetics
Classification: Uncertain significance for Meckel syndrome, type 1; Bardet-Biedl syndrome 13; Joubert syndrome 28. Last evaluated: 2024-03-28. Review status: criteria provided, single submitter. Criteria: ACMG Guidelines, 2015. Collection method: clinical testing. Allele origin: germline.

Labcorp Genetics (formerly Invitae), Labcorp
Classification: Uncertain significance for Joubert syndrome; Meckel-Gruber syndrome. Last evaluated: 2022-06-13. Review status: criteria provided, single submitter. Criteria: Invitae Variant Classification Sherloc (09022015). Collection method: clinical testing. Allele origin: germline.
Comment: This sequence change replaces histidine, which is basic and polar, with glutamine, which is neutral and polar, at codon 271 of the MKS1 protein (p.His271Gln). This variant is present in population databases (rs201961765, gnomAD 0.005%). This variant has not been reported in the literature in individuals affected with MKS1-related conditions. ClinVar contains an entry for this variant (Variation ID: 597924). Advanced modeling of protein sequence and biophysical properties (such as structural, functional, and spatial information, amino acid conservation, physicochemical variation, residue mobility, and thermodynamic stability) performed at Invitae indicates that this missense variant is not expected to disrupt MKS1 protein function. Algorithms developed to predict the effect of sequence changes on RNA splicing suggest that this variant may create or strengthen a splice site. In summary, the available evidence is currently insufficient to determine the role of this variant in disease. Therefore, it has been classified as a Variant of Uncertain Significance.

Eurofins Ntd Llc (ga)
Classification: Uncertain significance. Last evaluated: 2018-07-13. Review status: criteria provided, single submitter. Criteria: EGL ClinVar v180209 classification definitions. Collection method: clinical testing. Allele origin: germline. Observed: 1 variant allele, 1 heterozygote.

Illumina Laboratory Services, Illumina
Classification: Uncertain significance for Meckel syndrome, type 1. Last evaluated: 2018-01-13. Review status: criteria provided, single submitter. Criteria: ICSL Variant Classification Criteria 13 December 2019. Collection method: clinical testing. Allele origin: germline.

Illumina Laboratory Services, Illumina
Classification: Uncertain significance for Bardet-Biedl syndrome 13. Last evaluated: 2018-01-13. Review status: criteria provided, single submitter. Criteria: ICSL Variant Classification Criteria 13 December 2019. Collection method: clinical testing. Allele origin: germline.

NM_017777.4(MKS1):c.813C>A (p.His271Gln)

Gene: MKS1 (MKS transition zone complex subunit 1; minus strand). Cytogenetic location: 17q22.
Variant type: single nucleotide variant.
Coding change: c.813C>A on transcript NM_017777.4 (MANE Select); coding-DNA position 813, C replaced by A.
Protein change: p.His271Gln; replaces histidine 271 with glutamine.
Molecular consequence: missense variant.
Genome position (GRCh38, 1-based): chr17:58,213,027, G>T on the plus strand (C>A on the coding strand, the complement: MKS1 is on the minus strand). VCF-style: chr17-58213027-G-T. GRCh37 (hg19) VCF-style: chr17-56290388-G-T.
Other names: c.204C>A, p.His68Gln (NM_001321268.2); c.813C>A, p.His271Gln (NM_001321269.2, NM_001330397.2); short protein forms H271Q, H68Q.
Identifiers: ClinVar variation 597924 (VCV000597924.18), dbSNP rs201961765, ClinGen allele CA8669401.